The following is an entry in ClinVar:

ClinVar aggregate classification (germline): Likely benign (0 of 4 stars; one submission).

Conditions:
BLTP1-related disorder. Also called: BLTP1-related condition.

Allele frequency attached by ClinVar (database versions not stated): TOPMed 0.00005; gnomAD 0.00014; ExAC 0.00015; gnomAD exomes 0.00032.
gnomAD v4.1: 467 of 1,603,532 alleles (0.029%); highest among the groups gnomAD compares: East Asian, 0.68%; 2 homozygotes.

Submission:

PreventionGenetics, part of Exact Sciences
Classification: Likely benign for BLTP1-related condition. Last evaluated: 2019-03-21. Review status: no assertion criteria provided. Collection method: clinical testing. Allele origin: germline.
Comment: This variant is classified as likely benign based on ACMG/AMP sequence variant interpretation guidelines (Richards et al. 2015 PMID: 25741868, with internal and published modifications).

NM_001384125.1(BLTP1):c.12981G>A (p.Thr4327=)

Gene: BLTP1 (bridge-like lipid transfer protein family member 1; plus strand). Cytogenetic location: 4q27.
Variant type: single nucleotide variant.
Coding change: c.12981G>A on transcript NM_001384125.1 (MANE Select); coding-DNA position 12981, G replaced by A.
Protein change: p.Thr4327=; no amino-acid change (threonine 4327 retained).
Molecular consequence: synonymous variant.
Genome position (GRCh38, 1-based): chr4:122,344,545, G>A. VCF-style: chr4-122344545-G-A. GRCh37 (hg19) VCF-style: chr4-123265700-G-A.
Other names: c.12717G>A, p.Thr4239= (NM_015312.4).
Identifiers: ClinVar variation 3058497 (VCV003058497.2), dbSNP rs781641423, ClinGen allele CA3068066.